The following is an entry in ClinVar:

ClinVar aggregate classification (germline): Uncertain significance (1 of 4 stars; one submission).

Conditions:
Hereditary cancer-predisposing syndrome. Also called: Hereditary Cancer Syndrome; Hereditary neoplastic syndrome; Tumor predisposition; Neoplastic Syndromes, Hereditary. Identifiers: Orphanet 140162, MedGen C0027672, MeSH D009386, MONDO:0015356.
Cardiovascular phenotype. Identifiers: MedGen CN230736.

Submission:

Ambry Genetics
Classification: Uncertain significance for Cardiovascular phenotype; Hereditary cancer-predisposing syndrome. Last evaluated: 2024-08-18. Review status: criteria provided, single submitter. Criteria: Ambry Variant Classification Scheme 2023. Collection method: clinical testing. Allele origin: germline.
Comment: The p.A504P variant (also known as c.1510G>C), located in coding exon 14 of the LZTR1 gene, results from a G to C substitution at nucleotide position 1510. The alanine at codon 504 is replaced by proline, an amino acid with highly similar properties. This amino acid position is conserved. In addition, this alteration is predicted to be tolerated by in silico analysis. Based on the available evidence, the clinical significance of this variant remains unclear.

NM_006767.4(LZTR1):c.1510G>C (p.Ala504Pro)

Gene: LZTR1 (leucine zipper like post translational regulator 1; plus strand). Cytogenetic location: 22q11.21.
Variant type: single nucleotide variant.
Coding change: c.1510G>C on transcript NM_006767.4 (MANE Select); coding-DNA position 1510, G replaced by C.
Protein change: p.Ala504Pro; replaces alanine 504 with proline.
Molecular consequence: missense variant.
Genome position (GRCh38, 1-based): chr22:20,994,164, G>C. VCF-style: chr22-20994164-G-C. GRCh37 (hg19) VCF-style: chr22-21348453-G-C.
Other names: short protein forms A504P.
Identifiers: ClinVar variation 3541607 (VCV003541607.1).
Genomic context (GRCh38, chr22:20,994,164, plus strand): 5'-AAGCTGGAGCAGGAGGCCGCCCCAGTTCCCAGGGAGGCCCCCGGCGTGGCTGCTGGTGGG[G>C]CCCGGCCGCCCCTGCTGCACGTGGCCATCCGGGAGGCCGAGGCCCGGCCCTTCGAGGTGC-3'
Protein context (NP_006758.2, residues 494-514): REAPGVAAGG[Ala504Pro]RPPLLHVAIR